The following continues an entry in ClinVar:

NM_014251.3(SLC25A13):c.2T>C (p.Met1Thr)

ClinVar aggregate classification (germline): Uncertain significance. Uncertain significance (15).

Submissions 13 to 17 of 17:

GeneDx
Classification: Uncertain significance. Last evaluated: 2018-02-08. Review status: criteria provided, single submitter. Criteria: GeneDx Variant Classification (06012015). Collection method: clinical testing. Allele origin: germline. Affected: yes.
Comment: The c.2 T>C variant and a missense variant were identified in both an infant with neonatal intrahepatic cholestasis caused by citrin deficiency (NICCD) and the infants unaffected father; the mother was heterozygous for c.2 T>C (Zeng et al. 2014). Found in other patients with NICCD in whom a second SLC25A13 variant was not identified (Treepongkaruna et al. 2012). Functional studies in yeast found c.2 T>C expresses a truncated protein which was not functional; however, no studies have evaluated the effect of this variant in human cells (Wongkittichote et al. 2013). The c.2 T>C variant was found to have a carrier frequency of 1/18 in a Thai population ( Wongkittichote et al. 2013).

Illumina Laboratory Services, Illumina
Classification: Uncertain significance for Citrullinemia, type II, adult-onset. Last evaluated: 2017-04-27. Review status: criteria provided, single submitter. Criteria: ICSL Variant Classification Criteria 13 December 2019. Collection method: clinical testing. Allele origin: germline.
Comment: This variant was observed as part of a predisposition screen in an ostensibly healthy population. A literature search was performed for the gene, cDNA change, and amino acid change (where applicable). Publications were found based on this search. However, the evidence from the literature, in combination with allele frequency data from public databases where available, was not sufficient to rule this variant in or out of causing disease. Therefore, this variant is classified as a variant of unknown significance.

Juno Genomics, Hangzhou Juno Genomics, Inc
Classification: Uncertain significance for Citrullinemia, type II, adult-onset; Neonatal intrahepatic cholestasis due to citrin deficiency. Review status: criteria provided, single submitter. Criteria: ACMG Guidelines, 2015. Collection method: clinical testing. Allele origin: germline.
Comment: Observed in a healthy adult individual for a recessive/dominant/X-linked disorder with full penetrance.;Null variant in a gene where loss of function (LOF) is a known mechanism of disease.;For recessive disorders, detected in trans with a pathogenic variant.

Natera, Inc.
Classification: Uncertain significance for Late-onset citrullinemia. Last evaluated: 2020-09-16. Review status: no assertion criteria provided. Collection method: clinical testing. Allele origin: germline. Not counted in ClinVar's aggregate classification.

Genesolutions, Medical Genetics Institutes, Ho Chi Minh City, Vietnam
Classification: Pathogenic for Neonatal intrahepatic cholestasis due to citrin deficiency. Last evaluated: 2022-06-30. Review status: flagged submission. Criteria: ACMG Guidelines, 2015. Collection method: clinical testing. Allele origin: germline. Affected: yes. Not counted in ClinVar's aggregate classification.
ClinVar note: Reason: Outlier claim with insufficient supporting evidence

Literature cited by the submitters: PubMed 25216257 (cited by 3 submitters); PubMed 27405544 (cited by 3 submitters); PubMed 31180159 (cited by Women's Health and Genetics/Laboratory Corporation of America, LabCorp); PubMed 34800434 (cited by Women's Health and Genetics/Laboratory Corporation of America, LabCorp); PubMed 36599957 (cited by Women's Health and Genetics/Laboratory Corporation of America, LabCorp and Genesolutions, Medical Genetics Institutes, Ho Chi Minh City, Vietnam); PubMed 23067347 (cited by 3 submitters); PubMed 23053473 (cited by 4 submitters); PubMed 23022256 (cited by 3 submitters); PubMed 35798653 (cited by Women's Health and Genetics/Laboratory Corporation of America, LabCorp); PubMed 30887117 (cited by Victorian Clinical Genetics Services, Murdoch Childrens Research Institute); PubMed 34704407 (cited by Victorian Clinical Genetics Services, Murdoch Childrens Research Institute).